The following is an entry in ClinVar:

NM_020812.4(DOCK6):c.2346G>A (p.Lys782=)

Gene: DOCK6 (dedicator of cytokinesis 6; minus strand). Cytogenetic location: 19p13.2.
Variant type: single nucleotide variant.
Coding change: c.2346G>A on transcript NM_020812.4 (MANE Select); coding-DNA position 2346, G replaced by A.
Protein change: p.Lys782=; no amino-acid change (lysine 782 retained).
Molecular consequence: synonymous variant.
Genome position (GRCh38, 1-based): chr19:11,236,392, C>T on the plus strand (G>A on the coding strand, the complement: DOCK6 is on the minus strand). VCF-style: chr19-11236392-C-T. GRCh37 (hg19) VCF-style: chr19-11347068-C-T.
Other names: c.2346G>A, p.Lys782= (NM_001367830.1).
Identifiers: ClinVar variation 1707220 (VCV001707220.9), dbSNP rs373464992, ClinGen allele CA9207663.

ClinVar aggregate classification (germline): Benign/Likely benign. Review status: criteria provided, multiple submitters, no conflicts (2 of 4 stars). 3 submissions from 3 submitters: Benign (1); Likely benign (1). 1 of the submissions does not count toward it. Last evaluated 2025-11-17.

Conditions:
DOCK6-related disorder. Also called: DOCK6-related condition.

Allele frequency attached by ClinVar (database versions not stated): 1000 Genomes Project 30x 0.00031; ExAC 0.00031; ESP Exome Variant Server 0.00032; 1000 Genomes Project 0.00040; gnomAD 0.00056; TOPMed 0.00066.
gnomAD v4.1: 166 of 1,584,564 alleles (0.01%); highest among the groups gnomAD compares: African/African-American, 0.21%; 1 homozygote.

Submissions (3):

Labcorp Genetics (formerly Invitae), Labcorp
Classification: Benign. Last evaluated: 2025-11-17. Review status: criteria provided, single submitter. Criteria: Invitae Variant Classification Sherloc (09022015). Collection method: clinical testing. Allele origin: germline.

GeneDx
Classification: Likely benign. Last evaluated: 2021-06-11. Review status: criteria provided, single submitter. Criteria: GeneDx Variant Classification Process June 2021. Collection method: clinical testing. Allele origin: germline. Affected: yes.
Comment: See Variant Classification Assertion Criteria.

PreventionGenetics, part of Exact Sciences
Classification: Likely benign for DOCK6-related condition. Last evaluated: 2019-03-26. Review status: no assertion criteria provided. Collection method: clinical testing. Allele origin: germline. Not counted in ClinVar's aggregate classification.
Comment: This variant is classified as likely benign based on ACMG/AMP sequence variant interpretation guidelines (Richards et al. 2015 PMID: 25741868, with internal and published modifications).